The following is an entry in ClinVar:

NM_004655.4(AXIN2):c.1807G>A (p.Ala603Thr)

Gene: AXIN2 (axin 2; minus strand). Cytogenetic location: 17q24.1.
Variant type: single nucleotide variant.
Coding change: c.1807G>A on transcript NM_004655.4 (MANE Select); coding-DNA position 1807, G replaced by A.
Protein change: p.Ala603Thr; replaces alanine 603 with threonine.
Molecular consequence: missense variant. On other transcripts: intron variant (1).
Genome position (GRCh38, 1-based): chr17:65,536,969, C>T on the plus strand (G>A on the coding strand, the complement: AXIN2 is on the minus strand). VCF-style: chr17-65536969-C-T. GRCh37 (hg19) VCF-style: chr17-63533087-C-T.
Other names: c.1712+355G>A (NM_001363813.1); short protein forms A603T.
Identifiers: ClinVar variation 1512192 (VCV001512192.6), dbSNP rs145353986, ClinGen allele CA400676586.

ClinVar aggregate classification (germline): Uncertain significance (1 of 4 stars; one submission).

Conditions:
Oligodontia-cancer predisposition syndrome. Also called: TOOTH AGENESIS-COLORECTAL CANCER SYNDROME. Identifiers: Orphanet 300576, MedGen C1837750, MONDO:0012075, OMIM 608615. Disease mechanism: loss of function.

Submission:

Labcorp Genetics (formerly Invitae), Labcorp
Classification: Uncertain significance for Oligodontia-cancer predisposition syndrome. Last evaluated: 2024-10-15. Review status: criteria provided, single submitter. Criteria: Invitae Variant Classification Sherloc (09022015). Collection method: clinical testing. Allele origin: germline.
Comment: This sequence change replaces alanine, which is neutral and non-polar, with threonine, which is neutral and polar, at codon 603 of the AXIN2 protein (p.Ala603Thr). This variant is not present in population databases (gnomAD no frequency). This variant has not been reported in the literature in individuals affected with AXIN2-related conditions. ClinVar contains an entry for this variant (Variation ID: 1512192). An algorithm developed to predict the effect of missense changes on protein structure and function outputs the following: PolyPhen-2: "Benign". The threonine amino acid residue is found in multiple mammalian species, which suggests that this missense change does not adversely affect protein function. In summary, the available evidence is currently insufficient to determine the role of this variant in disease. Therefore, it has been classified as a Variant of Uncertain Significance.